The following is an entry in ClinVar:

ClinVar aggregate classification (germline): Likely pathogenic (1 of 4 stars; one submission).

Submission:

Labcorp Genetics (formerly Invitae), Labcorp
Classification: Likely pathogenic. Last evaluated: 2021-04-01. Review status: criteria provided, single submitter. Criteria: Invitae Variant Classification Sherloc (09022015). Collection method: clinical testing. Allele origin: unknown.
Comment: This variant has not been reported in the literature in individuals with SLC12A3-related conditions. ClinVar contains an entry for this variant (Variation ID: 656763). In summary, the currently available evidence indicates that the variant is pathogenic, but additional data are needed to prove that conclusively. Therefore, this variant has been classified as Likely Pathogenic. This variant results in the deletion of exon(s) 16 and part of exon 17 (c.1926-380_2118del) of the SLC12A3 gene. It is expected to disrupt RNA splicing. Variants that disrupt the donor or acceptor splice site typically lead to a loss of protein function (PMID: 16199547), and loss-of-function variants in SLC12A3 are known to be pathogenic (PMID: 20848653, 22009145, 25841442).

Literature cited by the submitters: PubMed 16199547; PubMed 20848653; PubMed 22009145; PubMed 25841442.

NC_000016.9:g.(?_56919896)_(56920945_?)del

Gene: SLC12A3 (solute carrier family 12 member 3; plus strand). Cytogenetic location: 16q13.
Variant type: Deletion.
Identifiers: ClinVar variation 3243584 (VCV003243584.1).